The following is an entry in ClinVar:

NM_014874.4(MFN2):c.822G>A (p.Arg274=)

Gene: MFN2 (mitofusin 2; plus strand). Cytogenetic location: 1p36.22.
Variant type: single nucleotide variant.
Coding change: c.822G>A on transcript NM_014874.4 (MANE Select); coding-DNA position 822, G replaced by A.
Protein change: p.Arg274=; no amino-acid change (arginine 274 retained).
Molecular consequence: synonymous variant.
Genome position (GRCh38, 1-based): chr1:12,001,406, G>A. VCF-style: chr1-12001406-G-A. GRCh37 (hg19) VCF-style: chr1-12061463-G-A.
Other names: c.822G>A (NM_014874.3); c.822G>A, p.Arg274= (NM_001127660.2).
Identifiers: ClinVar variation 1640286 (VCV001640286.9), dbSNP rs528330690, ClinGen allele CA18009955.

ClinVar aggregate classification (germline): Likely benign. Review status: criteria provided, multiple submitters, no conflicts (2 of 4 stars). 2 submissions from 2 submitters: Likely benign (2). Last evaluated 2025-08-21.

Conditions:
MFN2-related disorder. Also called: MFN2-related condition; MFN2-related disorders.
Charcot-Marie-Tooth disease type 2. Also called: Charcot-Marie-Tooth type 2. Identifiers: Orphanet 64746, MedGen C0270914, MONDO:0018993.

Allele frequency attached by ClinVar (database versions not stated): gnomAD exomes 0.00001; gnomAD 0.00003 and 0.00004; TOPMed 0.00003.
gnomAD v4.1: 25 of 1,613,582 alleles (0.0015%); highest among the groups gnomAD compares: African/African-American, 0.017%; no homozygotes.

Submissions (2):

Labcorp Genetics (formerly Invitae), Labcorp
Classification: Likely benign for Charcot-Marie-Tooth disease type 2. Last evaluated: 2025-08-21. Review status: criteria provided, single submitter. Criteria: Invitae Variant Classification Sherloc (09022015). Collection method: clinical testing. Allele origin: germline.

PreventionGenetics, part of Exact Sciences
Classification: Likely benign for MFN2-related condition. Last evaluated: 2024-10-17. Review status: criteria provided, single submitter. Criteria: ACMG Guidelines, 2015. Collection method: clinical testing. Allele origin: germline.
Comment: This variant is classified as likely benign based on ACMG/AMP sequence variant interpretation guidelines (Richards et al. 2015 PMID: 25741868, with internal and published modifications).